The following is an entry in ClinVar:

ClinVar aggregate classification (germline): Conflicting classifications of pathogenicity. Review status: criteria provided, conflicting classifications (1 of 4 stars). 3 submissions from 3 submitters: Uncertain significance (2); Likely benign (1). Last evaluated 2025-05-28.

Conditions:
Inborn genetic diseases. Identifiers: MedGen C0950123, MeSH D030342.

Allele frequency attached by ClinVar (database versions not stated): TOPMed 0.00027; ESP Exome Variant Server 0.00031; gnomAD exomes 0.00001 and 0.00004; ExAC 0.00005; gnomAD 0.00011 and 0.00015.
gnomAD v4.1: 42 of 1,613,984 alleles (0.0026%); highest among the groups gnomAD compares: African/African-American, 0.047%; no homozygotes.

Submissions (3):

Labcorp Genetics (formerly Invitae), Labcorp
Classification: Uncertain significance. Last evaluated: 2025-05-28. Review status: criteria provided, single submitter. Criteria: Invitae Variant Classification Sherloc (09022015). Collection method: clinical testing. Allele origin: germline.
Comment: This sequence change replaces tryptophan, which is neutral and slightly polar, with arginine, which is basic and polar, at codon 1037 of the VCAN protein (p.Trp1037Arg). This variant is present in population databases (rs146763344, gnomAD 0.05%). This variant has not been reported in the literature in individuals affected with VCAN-related conditions. ClinVar contains an entry for this variant (Variation ID: 1000148). An algorithm developed to predict the effect of missense changes on protein structure and function (PolyPhen-2) suggests that this variant is likely to be tolerated. In summary, the available evidence is currently insufficient to determine the role of this variant in disease. Therefore, it has been classified as a Variant of Uncertain Significance.

Ambry Genetics
Classification: Uncertain significance for Inborn genetic diseases. Last evaluated: 2024-06-13. Review status: criteria provided, single submitter. Criteria: Ambry Variant Classification Scheme 2023. Collection method: clinical testing. Allele origin: germline.

Blueprint Genetics
Classification: Likely benign. Last evaluated: 2023-12-29. Review status: criteria provided, single submitter. Criteria: ACMG Guidelines, 2015. Collection method: clinical testing. Allele origin: germline.

NM_004385.5(VCAN):c.3109T>C (p.Trp1037Arg)

Gene: VCAN (versican; plus strand). Cytogenetic location: 5q14.3.
Variant type: single nucleotide variant.
Coding change: c.3109T>C on transcript NM_004385.5 (MANE Select); coding-DNA position 3109, T replaced by C.
Protein change: p.Trp1037Arg; replaces tryptophan 1037 with arginine.
Molecular consequence: missense variant. On other transcripts: intron variant (2).
Genome position (GRCh38, 1-based): chr5:83,521,415, T>C. VCF-style: chr5-83521415-T-C. GRCh37 (hg19) VCF-style: chr5-82817234-T-C.
Other names: c.3109T>C (NM_004385.4); c.3109T>C, p.Trp1037Arg (NM_001164098.2); c.1042+9019T>C (NM_001164097.2, NM_001126336.3); short protein forms W1037R.
Identifiers: ClinVar variation 1000148 (VCV001000148.8), dbSNP rs146763344, ClinGen allele CA3332958.